The following is an entry in ClinVar:

ClinVar aggregate classification (germline): Pathogenic (1 of 4 stars; one submission).

Submission:

Labcorp Genetics (formerly Invitae), Labcorp
Classification: Pathogenic. Last evaluated: 2024-11-05. Review status: criteria provided, single submitter. Criteria: Invitae Variant Classification Sherloc (09022015). Collection method: clinical testing. Allele origin: germline.
Comment: This sequence change creates a premature translational stop signal (p.Gly1044Alafs*86) in the COL2A1 gene. It is expected to result in an absent or disrupted protein product. Loss-of-function variants in COL2A1 are known to be pathogenic (PMID: 20179744). This variant is not present in population databases (gnomAD no frequency). This variant has not been reported in the literature in individuals affected with COL2A1-related conditions. ClinVar contains an entry for this variant (Variation ID: 2124878). For these reasons, this variant has been classified as Pathogenic.

Literature cited by the submitters: PubMed 20179744.

NM_001844.5(COL2A1):c.3131del (p.Gly1044fs)

Gene: COL2A1 (collagen type II alpha 1 chain; minus strand). Cytogenetic location: 12q13.11.
Variant type: Deletion.
Coding change: c.3131del on transcript NM_001844.5 (MANE Select); coding-DNA position 3131, one base deleted (G; older notation c.3131delG).
Protein change: p.Gly1044fs; shifts the reading frame from glycine 1044.
Molecular consequence: frameshift variant.
Genome position (GRCh38, 1-based): chr12:47,977,634, C deleted on the plus strand (G on the coding strand, the reverse complement: COL2A1 is on the minus strand); the first of 2 consecutive C bases (chr12:47,977,634-47,977,635); deleting either gives the same sequence. VCF-style (leftmost placement, unchanged base first): chr12-47977633-GC-G. GRCh37 (hg19) VCF-style: chr12-48371416-GC-G.
Other names: c.2924del, p.Gly975fs (NM_033150.3); short protein forms G1044fs, G975fs.
Identifiers: ClinVar variation 2124878 (VCV002124878.4), dbSNP rs2540108712, ClinGen allele CA2580085504.